The following is an entry in ClinVar:

NC_000023.10:g.(?_153607835)_(153609567_?)dup

Gene: EMD (emerin; plus strand). Cytogenetic location: Xq28.
Variant type: Duplication.
Identifiers: ClinVar variation 1019313 (VCV001019313.1).

ClinVar aggregate classification (germline): Uncertain significance (1 of 4 stars; one submission).

Conditions:
X-linked Emery-Dreifuss muscular dystrophy. Also called: Muscular dystrophy, tardive Emery-Dreifuss type, with contractures. Identifiers: Orphanet 261, Orphanet 98863, MedGen C0751337, MONDO:0010680.

Submission:

Labcorp Genetics (formerly Invitae), Labcorp
Classification: Uncertain significance for X-linked Emery-Dreifuss muscular dystrophy. Last evaluated: 2020-10-30. Review status: criteria provided, single submitter. Criteria: Invitae Variant Classification Sherloc (09022015). Collection method: clinical testing. Allele origin: germline.
Comment: This variant results in a copy number gain of the genomic region encompassing the full coding sequence of the EMD gene. The boundaries of this event are unknown as they extend beyond the assayed region for this gene and therefore may encompass additional genes. As the precise location of this event is unknown, it may be in tandem or it may be located elsewhere in the genome. This variant has not been reported in the literature in individuals with EMD-related conditions. In summary, the available evidence is currently insufficient to determine the role of this variant in disease. Therefore, it has been classified as a Variant of Uncertain Significance.